The following is an entry in ClinVar:

ClinVar aggregate classification (germline): Uncertain significance (1 of 4 stars; one submission).

Conditions:
Hereditary cancer-predisposing syndrome. Also called: Hereditary Cancer Syndrome; Tumor predisposition; Hereditary neoplastic syndrome; Neoplastic Syndromes, Hereditary. Identifiers: Orphanet 140162, MedGen C0027672, MeSH D009386, MONDO:0015356.

Submission:

Ambry Genetics
Classification: Uncertain significance for Hereditary cancer-predisposing syndrome. Last evaluated: 2024-11-15. Review status: criteria provided, single submitter. Criteria: Ambry Variant Classification Scheme 2023. Collection method: clinical testing. Allele origin: germline.
Comment: The p.T716P variant (also known as c.2146A>C), located in coding exon 4 of the MSH6 gene, results from an A to C substitution at nucleotide position 2146. The threonine at codon 716 is replaced by proline, an amino acid with highly similar properties. This amino acid position is conserved. In addition, this alteration is predicted to be tolerated by in silico analysis. Based on the available evidence, the clinical significance of this variant remains unclear.

NM_000179.3(MSH6):c.2146A>C (p.Thr716Pro)

Gene: MSH6 (mutS homolog 6; plus strand). Cytogenetic location: 2p16.3.
Variant type: single nucleotide variant.
Coding change: c.2146A>C on transcript NM_000179.3 (MANE Select); coding-DNA position 2146, A replaced by C.
Protein change: p.Thr716Pro; replaces threonine 716 with proline.
Molecular consequence: missense variant. On other transcripts: non-coding transcript variant (5), intron variant (2).
Genome position (GRCh38, 1-based): chr2:47,800,129, A>C. VCF-style: chr2-47800129-A-C. GRCh37 (hg19) VCF-style: chr2-48027268-A-C.
Other names: c.1756A>C, p.Thr586Pro (NM_001281492.2); c.1240A>C, p.Thr414Pro (NM_001281493.2, NM_001281494.2, NM_001406811.1 and 6 more transcripts); c.2242A>C, p.Thr748Pro (NM_001406795.1, NM_001406802.1); c.2146A>C, p.Thr716Pro (NM_001406796.1, NM_001406798.1, NM_001406800.1 and 3 more transcripts); c.1849A>C, p.Thr617Pro (NM_001406797.1, NM_001406801.1, NM_001406805.1 and 10 more transcripts); c.1621A>C, p.Thr541Pro (NM_001406799.1, NM_001406806.1, NM_001406807.1); c.2068A>C, p.Thr690Pro (NM_001406804.1); c.2152A>C, p.Thr718Pro (NM_001406813.1); and 3 more; short protein forms T690P, T414P, T617P, T660P, T716P, T748P, T541P, T586P.
Identifiers: ClinVar variation 3398962 (VCV003398962.1).